The following is an entry in ClinVar:

ClinVar aggregate classification (germline): Uncertain significance. Review status: criteria provided, multiple submitters, no conflicts (2 of 4 stars). 2 submissions from 2 submitters: Uncertain significance (2). Last evaluated 2022-11-09.

Conditions:
Developmental and epileptic encephalopathy, 1 (DEE1). Also called: X-linked infantile spasms; West's syndrome; Tonic spasms with clustering, arrest of psychomotor development and hypsarrhythmia on EEG; X-Linked Infantile Spasm Syndrome; INFANTILE SPASM SYNDROME, X-LINKED 1; Epileptic encephalopathy, early infantile, 1. Identifiers: MedGen C3463992, MONDO:0010632, OMIM 308350. Disease mechanism: loss of function.
Autosomal recessive spinocerebellar ataxia 12. Also called: SPINOCEREBELLAR ATAXIA WITH MENTAL RETARDATION AND EPILEPSY. Identifiers: Orphanet 284282, MedGen C3280452, MONDO:0013687, OMIM 614322.

Allele frequency attached by ClinVar (database versions not stated): gnomAD 0.00001; TOPMed 0.00001.

Submissions (2):

Revvity Omics, Revvity
Classification: Uncertain significance. Last evaluated: 2022-11-09. Review status: criteria provided, single submitter. Criteria: ACMG Guidelines, 2015. Collection method: clinical testing. Allele origin: germline.

Labcorp Genetics (formerly Invitae), Labcorp
Classification: Uncertain significance for Developmental and epileptic encephalopathy, 1; Autosomal recessive spinocerebellar ataxia 12. Last evaluated: 2022-08-15. Review status: criteria provided, single submitter. Criteria: Invitae Variant Classification Sherloc (09022015). Collection method: clinical testing. Allele origin: germline.
Comment: This variant has not been reported in the literature in individuals affected with WWOX-related conditions. In summary, the available evidence is currently insufficient to determine the role of this variant in disease. Therefore, it has been classified as a Variant of Uncertain Significance. Algorithms developed to predict the effect of missense changes on protein structure and function are either unavailable or do not agree on the potential impact of this missense change (SIFT: "Not Available"; PolyPhen-2: "Benign"; Align-GVGD: "Not Available"). ClinVar contains an entry for this variant (Variation ID: 954471). This variant is present in population databases (rs781683643, gnomAD 0.003%). This sequence change replaces arginine, which is basic and polar, with cysteine, which is neutral and slightly polar, at codon 314 of the WWOX protein (p.Arg314Cys).

NM_016373.4(WWOX):c.940C>T (p.Arg314Cys)

Gene: WWOX (WW domain containing oxidoreductase; plus strand). Cytogenetic location: 16q23.1.
Variant type: single nucleotide variant.
Coding change: c.940C>T on transcript NM_016373.4 (MANE Select); coding-DNA position 940, C replaced by T.
Protein change: p.Arg314Cys; replaces arginine 314 with cysteine.
Molecular consequence: missense variant.
Genome position (GRCh38, 1-based): chr16:78,432,636, C>T. VCF-style: chr16-78432636-C-T. GRCh37 (hg19) VCF-style: chr16-78466533-C-T.
Other names: c.601C>T, p.Arg201Cys (NM_001291997.2); short protein forms R201C, R314C.
Identifiers: ClinVar variation 954471 (VCV000954471.10), dbSNP rs781683643, ClinGen allele CA8183565.